The following is an entry in ClinVar:

ClinVar aggregate classification (germline): Uncertain significance (1 of 4 stars; one submission).

Conditions:
Malignant hyperthermia, susceptibility to, 1 (MHS1). Also called: Anesthesia related hyperthermia; Malignant hyperpyrexia; Fulminating hyperpyrexia; Pharmacogenic myopathy; RYR1-Related Malignant Hyperthermia Susceptibility; Malignant hyperthermia suceptibility 1. Identifiers: Orphanet 423, MedGen C2930980, MONDO:0007783, OMIM 145600.

Submission:

All of Us Research Program, National Institutes of Health
Classification: Uncertain significance for Malignant hyperthermia, susceptibility to, 1. Last evaluated: 2023-06-26. Review status: criteria provided, single submitter. Criteria: ACMG Guidelines, 2015. Collection method: clinical testing. Allele origin: germline. Inheritance: Autosomal dominant inheritance. Observed: 1 variant allele, 1 heterozygote.
Comment: This missense variant replaces glycine with glutamic acid at codon 1566 of the RYR1 protein. Computational prediction suggests that this variant may have deleterious impact on protein structure and function (internally defined REVEL score threshold >= 0.7, PMID: 27666373). To our knowledge, functional studies have not been reported for this variant. This variant has not been reported in individuals affected with RYR1-related disorders in the literature. This variant has not been identified in the general population by the Genome Aggregation Database (gnomAD). The available evidence is insufficient to determine the role of this variant in disease conclusively. Therefore, this variant is classified as a Variant of Uncertain Significance.

This study involves interpretation of variants in research participants for the purpose of population health screening. Participant phenotype was not available at the time of variant classification. Additional details can be found in publication PMID: 35346344, PMCID: PMC8962531

NM_000540.3(RYR1):c.4697G>A (p.Gly1566Glu)

Gene: RYR1 (ryanodine receptor 1; plus strand). Cytogenetic location: 19q13.2.
Variant type: single nucleotide variant.
Coding change: c.4697G>A on transcript NM_000540.3 (MANE Select); coding-DNA position 4697, G replaced by A.
Protein change: p.Gly1566Glu; replaces glycine 1566 with glutamic acid.
Molecular consequence: missense variant.
Genome position (GRCh38, 1-based): chr19:38,483,103, G>A. VCF-style: chr19-38483103-G-A. GRCh37 (hg19) VCF-style: chr19-38973743-G-A.
Other names: c.4697G>A, p.Gly1566Glu (NM_001042723.2); short protein forms G1566E.
Identifiers: ClinVar variation 3071769 (VCV003071769.1), dbSNP rs750026018, ClinGen allele CA405649577.